The following is an entry in ClinVar:

ClinVar aggregate classification (germline): Conflicting classifications of pathogenicity. Review status: criteria provided, conflicting classifications (1 of 4 stars). 7 submissions from 7 submitters: Uncertain significance (3); Likely benign (4). Last evaluated 2026-08-01.

Conditions:
Connective tissue disorder. Also called: Connective tissue disease. Identifiers: MedGen C0009782, MONDO:0003900.
Inborn genetic diseases. Identifiers: MedGen C0950123, MeSH D030342.
Schneckenbecken dysplasia. Identifiers: Orphanet 3144, MedGen C0432194, MONDO:0010013, OMIM 269250.

Allele frequency attached by ClinVar (database versions not stated): TOPMed 0.00080; gnomAD exomes 0.00093 and 0.00065; 1000 Genomes Project 30x 0.00031; 1000 Genomes Project 0.00040; ExAC 0.00058; ESP Exome Variant Server 0.00069; gnomAD 0.00078.
gnomAD v4.1: 1,479 of 1,608,186 alleles (0.092%); highest among the groups gnomAD compares: South Asian, 0.11%; 5 homozygotes.

Submissions (7):

CeGaT Center for Human Genetics Tuebingen
Classification: Likely benign. Last evaluated: 2026-08-01. Review status: criteria provided, single submitter. Criteria: CeGaT Center For Human Genetics Tuebingen Variant Classification Criteria Version 2. Collection method: clinical testing. Allele origin: germline. Affected: yes. Observed: 1 variant allele.
Comment: SLC35D1: BS2

Labcorp Genetics (formerly Invitae), Labcorp
Classification: Likely benign for Schneckenbecken dysplasia. Last evaluated: 2026-01-22. Review status: criteria provided, single submitter. Criteria: Invitae Variant Classification Sherloc (09022015). Collection method: clinical testing. Allele origin: germline.

GeneDx
Classification: Uncertain significance. Last evaluated: 2023-03-08. Review status: criteria provided, single submitter. Criteria: GeneDx Variant Classification Process June 2021. Collection method: clinical testing. Allele origin: germline. Affected: yes.
Comment: In silico analysis supports that this missense variant does not alter protein structure/function; Has not been previously published as pathogenic or benign to our knowledge

Genome Diagnostics Laboratory, The Hospital for Sick Children
Classification: Likely benign for Connective tissue disorder. Last evaluated: 2022-05-19. Review status: criteria provided, single submitter. Criteria: ACMG Guidelines, 2015. Collection method: clinical testing. Allele origin: germline.

Ambry Genetics
Classification: Uncertain significance for Inborn genetic diseases. Last evaluated: 2021-06-18. Review status: criteria provided, single submitter. Criteria: Ambry Variant Classification Scheme 2023. Collection method: clinical testing. Allele origin: germline.

Eurofins Ntd Llc (ga)
Classification: Uncertain significance. Last evaluated: 2017-02-23. Review status: criteria provided, single submitter. Criteria: EGL Classification Definitions 2015. Collection method: clinical testing. Allele origin: germline. Observed: 1 variant allele, 1 heterozygote.

ARUP Laboratories, Molecular Genetics and Genomics, ARUP Laboratories
Classification: Likely benign. Last evaluated: 2016-09-15. Review status: criteria provided, single submitter. Criteria: ARUP Molecular Germline Variant Investigation Process. Collection method: clinical testing. Allele origin: germline.

NM_015139.3(SLC35D1):c.814G>A (p.Ala272Thr)

Gene: SLC35D1 (solute carrier family 35 member D1; minus strand). Cytogenetic location: 1p31.3.
Variant type: single nucleotide variant.
Coding change: c.814G>A on transcript NM_015139.3 (MANE Select); coding-DNA position 814, G replaced by A.
Protein change: p.Ala272Thr; replaces alanine 272 with threonine.
Molecular consequence: missense variant.
Genome position (GRCh38, 1-based): chr1:67,020,431, C>T on the plus strand (G>A on the coding strand, the complement: SLC35D1 is on the minus strand). VCF-style: chr1-67020431-C-T. GRCh37 (hg19) VCF-style: chr1-67486114-C-T.
Other names: short protein forms A272T.
Identifiers: ClinVar variation 440280 (VCV000440280.28), dbSNP rs143218310, ClinGen allele CA898862.